The following is an entry in ClinVar:

NM_000018.4(ACADVL):c.1679-40T>G

Gene: ACADVL (acyl-CoA dehydrogenase very long chain; plus strand). Cytogenetic location: 17p13.1.
Variant type: single nucleotide variant.
Coding change: c.1679-40T>G on transcript NM_000018.4 (MANE Select); 40 bases into the intron before coding-DNA position 1679, T replaced by G.
Molecular consequence: intron variant.
Genome position (GRCh38, 1-based): chr17:7,224,602, T>G. VCF-style: chr17-7224602-T-G. GRCh37 (hg19) VCF-style: chr17-7127921-T-G.
Other names: c.1748-40T>G (NM_001270447.2); c.1451-40T>G (NM_001270448.2); c.1613-40T>G (NM_001033859.3).
Identifiers: ClinVar variation 2444071 (VCV002444071.1), dbSNP rs2071388833, ClinGen allele CA2245714785.

ClinVar aggregate classification (germline): Uncertain significance (1 of 4 stars; one submission).

Conditions:
Very long chain acyl-CoA dehydrogenase deficiency (ACADVLD). Also called: VLCAD Deficiency; Very Long-Chain Acyl-Coenzyme A Dehydrogenase Deficiency. Identifiers: Orphanet 26793, MedGen C3887523, MONDO:0008723, OMIM 201475.

Submission:

3billion
Classification: Uncertain significance for Very long chain acyl-CoA dehydrogenase deficiency. Last evaluated: 2023-02-23. Review status: criteria provided, single submitter. Criteria: ACMG Guidelines, 2015. Collection method: clinical testing. Allele origin: unknown. Affected: yes.
Comment: The variant is not observed in the gnomAD v2.1.1 dataset. Predicted Consequence/Location: Intron variant. In silico tools do not predict the variant to alter splicing and produce an abnormal transcript (SpliceAI: 0.07). Therefore, this variant is classified as VUS according to the recommendation of ACMG/AMP guideline.